The following is an entry in ClinVar:

NM_170606.3(KMT2C):c.4124C>A (p.Thr1375Lys)

Gene: KMT2C (lysine methyltransferase 2C; minus strand). Cytogenetic location: 7q36.1.
Variant type: single nucleotide variant.
Coding change: c.4124C>A on transcript NM_170606.3 (MANE Select); coding-DNA position 4124, C replaced by A.
Protein change: p.Thr1375Lys; replaces threonine 1375 with lysine.
Molecular consequence: missense variant.
Genome position (GRCh38, 1-based): chr7:152,199,428, G>T on the plus strand (C>A on the coding strand, the complement: KMT2C is on the minus strand). VCF-style: chr7-152199428-G-T. GRCh37 (hg19) VCF-style: chr7-151896513-G-T.
Other names: short protein forms T1375K.
Identifiers: ClinVar variation 1335700 (VCV001335700.37), dbSNP rs759226598, ClinGen allele CA370107385.

ClinVar aggregate classification (germline): Uncertain significance. Review status: criteria provided, multiple submitters, no conflicts (2 of 4 stars). 2 submissions from 2 submitters: Uncertain significance (2). Last evaluated 2024-10-15.

gnomAD v4.1: 3 of 1,566,500 alleles (0.00019%); highest among the groups gnomAD compares: East Asian, 0.0047%; no homozygotes.

Submissions (2):

Dasa
Classification: Uncertain significance. Last evaluated: 2024-10-15. Review status: criteria provided, single submitter. Criteria: DASA Assertion Criteria. Collection method: clinical testing. Allele origin: germline.
Comment: NM_170606.3(KMT2C):c.4124C>A (p.Thr1375Lys) is a missense variant that results in the substitution of threonine with lysine. This variant is rare in population databases. Computational prediction algorithms are consistent with a benign effect. The currently available literature and clinical evidence are not sufficient to establish a definitive association between this variant and the reported condition. Therefore, this variant is classified as a variant of uncertain significance.

CeGaT Center for Human Genetics Tuebingen
Classification: Uncertain significance. Last evaluated: 2021-12-01. Review status: criteria provided, single submitter. Criteria: CeGaT Center For Human Genetics Tuebingen Variant Classification Criteria Version 2. Collection method: clinical testing. Allele origin: germline. Affected: yes. Observed: 1 variant allele.